The following is an entry in ClinVar:

ClinVar aggregate classification (germline): Uncertain significance (1 of 4 stars; one submission).

gnomAD v4.1: 1 of 1,610,974 alleles (0.000062%); highest among the groups gnomAD compares: Admixed American, 0.0017%; no homozygotes.

Submission:

Labcorp Genetics (formerly Invitae), Labcorp
Classification: Uncertain significance. Last evaluated: 2025-02-23. Review status: criteria provided, single submitter. Criteria: Invitae Variant Classification Sherloc (09022015). Collection method: clinical testing. Allele origin: germline.
Comment: This sequence change replaces aspartic acid, which is acidic and polar, with asparagine, which is neutral and polar, at codon 22 of the FGF12 protein (p.Asp22Asn). This variant is present in population databases (no rsID available, gnomAD 0.003%). This variant has not been reported in the literature in individuals affected with FGF12-related conditions. An algorithm developed to predict the effect of missense changes on protein structure and function (PolyPhen-2) suggests that this variant is likely to be tolerated. In summary, the available evidence is currently insufficient to determine the role of this variant in disease. Therefore, it has been classified as a Variant of Uncertain Significance.

NM_004113.6(FGF12):c.14-47622G>A

Gene: FGF12 (fibroblast growth factor 12; minus strand). Cytogenetic location: 3q28.
Variant type: single nucleotide variant.
Coding change: c.14-47622G>A on transcript NM_004113.6 (MANE Select); 47622 bases into the intron before coding-DNA position 14, G replaced by A.
Molecular consequence: intron variant. On other transcripts: missense variant (1).
Genome position (GRCh38, 1-based): chr3:192,408,160, C>T on the plus strand (G>A on the coding strand, the complement: FGF12 is on the minus strand). VCF-style: chr3-192408160-C-T. GRCh37 (hg19) VCF-style: chr3-192125949-C-T.
Other names: c.64G>A, p.Asp22Asn (NM_021032.5); c.-59-47622G>A (NM_001377293.1); c.14-72696G>A (NM_001377292.1); c.-60+1352G>A (NM_001377294.1); short protein forms D22N.
Identifiers: ClinVar variation 4713663 (VCV004713663.1).